The following is an entry in ClinVar:

ClinVar aggregate classification (germline): Uncertain significance (1 of 4 stars; one submission).

Submission:

Labcorp Genetics (formerly Invitae), Labcorp
Classification: Uncertain significance. Last evaluated: 2021-10-25. Review status: criteria provided, single submitter. Criteria: Invitae Variant Classification Sherloc (09022015). Collection method: clinical testing. Allele origin: germline.
Comment: In summary, the available evidence is currently insufficient to determine the role of this variant in disease. Therefore, it has been classified as a Variant of Uncertain Significance. This variant has not been reported in the literature in individuals affected with PHYH-related conditions. This variant results in a copy number gain of the genomic region encompassing exon(s) 1-4 of the PHYH gene. This region includes the initiator codon of the gene. This copy number gain extends beyond the assayed region for this gene and therefore may encompass additional genes. As the precise location of this event is unknown, it may be in tandem or it may be located elsewhere in the genome.

NC_000010.10:g.(?_13336408)_(13342042_?)dup

Gene: PHYH (phytanoyl-CoA 2-hydroxylase; minus strand). Cytogenetic location: 10p13.
Variant type: Duplication.
Identifiers: ClinVar variation 2425534 (VCV002425534.4).